The following is an entry in ClinVar:

NM_133433.4(NIPBL):c.3455C>G (p.Ser1152Ter)

Gene: NIPBL (NIPBL cohesin loading factor; plus strand). Cytogenetic location: 5p13.2.
Variant type: single nucleotide variant.
Coding change: c.3455C>G on transcript NM_133433.4 (MANE Select); coding-DNA position 3455, C replaced by G.
Protein change: p.Ser1152Ter; replaces serine 1152 with a stop codon.
Molecular consequence: nonsense.
Genome position (GRCh38, 1-based): chr5:37,000,523, C>G. VCF-style: chr5-37000523-C-G. GRCh37 (hg19) VCF-style: chr5-37000625-C-G.
Other names: c.3455C>G, p.Ser1152Ter (NM_015384.5); short protein forms S1152*.
Identifiers: ClinVar variation 664886 (VCV000664886.6), dbSNP rs1580436698, ClinGen allele CA359517920.

ClinVar aggregate classification (germline): Pathogenic (1 of 4 stars; one submission).

Conditions:
Cornelia de Lange syndrome 1 (CDLS1). Also called: TYPUS DEGENERATIVUS AMSTELODAMENSIS; NIPBL-Related Cornelia de Lange Syndrome; Brachmann de Lange syndrome. Identifiers: Orphanet 199, MedGen C4551851, MONDO:0007387, OMIM 122470.

Submission:

Labcorp Genetics (formerly Invitae), Labcorp
Classification: Pathogenic for Cornelia de Lange syndrome 1. Last evaluated: 2022-08-16. Review status: criteria provided, single submitter. Criteria: Invitae Variant Classification Sherloc (09022015). Collection method: clinical testing. Allele origin: germline.
Comment: This sequence change creates a premature translational stop signal (p.Ser1152*) in the NIPBL gene. It is expected to result in an absent or disrupted protein product. Loss-of-function variants in NIPBL are known to be pathogenic (PMID: 15318302, 19763162, 23505322, 29995837). This variant is not present in population databases (gnomAD no frequency). This variant has not been reported in the literature in individuals affected with NIPBL-related conditions. ClinVar contains an entry for this variant (Variation ID: 664886). For these reasons, this variant has been classified as Pathogenic.

Literature cited by the submitters: PubMed 15318302; PubMed 19763162; PubMed 23505322; PubMed 29995837.